The following is an entry in ClinVar:

NM_152383.5(DIS3L2):c.41G>A (p.Gly14Glu)

Gene: DIS3L2 (DIS3 like 3'-5' exoribonuclease 2; plus strand). Cytogenetic location: 2q37.1.
Variant type: single nucleotide variant.
Coding change: c.41G>A on transcript NM_152383.5 (MANE Select); coding-DNA position 41, G replaced by A.
Protein change: p.Gly14Glu; replaces glycine 14 with glutamic acid.
Molecular consequence: missense variant. On other transcripts: non-coding transcript variant (2).
Genome position (GRCh38, 1-based): chr2:232,014,968, G>A. VCF-style: chr2-232014968-G-A. GRCh37 (hg19) VCF-style: chr2-232879678-G-A.
Other names: c.41G>A, p.Gly14Glu (NM_001257281.2, NM_001257282.2); short protein forms G14E.
Identifiers: ClinVar variation 4734836 (VCV004734836.1).

ClinVar aggregate classification (germline): Uncertain significance (1 of 4 stars; one submission).

Conditions:
Perlman syndrome (PRLMNS). Identifiers: Orphanet 2849, MedGen C0796113, MONDO:0009965, OMIM 267000.

Submission:

Labcorp Genetics (formerly Invitae), Labcorp
Classification: Uncertain significance for Perlman syndrome. Last evaluated: 2026-01-13. Review status: criteria provided, single submitter. Criteria: Invitae Variant Classification Sherloc (09022015). Collection method: clinical testing. Allele origin: germline.
Comment: This sequence change replaces glycine, which is neutral and non-polar, with glutamic acid, which is acidic and polar, at codon 14 of the DIS3L2 protein (p.Gly14Glu). This variant is not present in population databases (gnomAD no frequency). This variant has not been reported in the literature in individuals affected with DIS3L2-related conditions. An algorithm developed to predict the effect of missense changes on protein structure and function outputs the following: PolyPhen-2: "Benign". The glutamic acid amino acid residue is found in multiple mammalian species, which suggests that this missense change does not adversely affect protein function. In summary, the available evidence is currently insufficient to determine the role of this variant in disease. Therefore, it has been classified as a Variant of Uncertain Significance.